The following is an entry in ClinVar:

NM_000520.6(HEXA):c.1389T>A (p.Tyr463Ter)

Gene: HEXA (hexosaminidase subunit alpha; minus strand). Cytogenetic location: 15q23.
Variant type: single nucleotide variant.
Coding change: c.1389T>A on transcript NM_000520.6 (MANE Select); coding-DNA position 1389, T replaced by A.
Protein change: p.Tyr463Ter; replaces tyrosine 463 with a stop codon.
Molecular consequence: nonsense. On other transcripts: non-coding transcript variant (1).
Genome position (GRCh38, 1-based): chr15:72,346,267, A>T on the plus strand (T>A on the coding strand, the complement: HEXA is on the minus strand). VCF-style: chr15-72346267-A-T. GRCh37 (hg19) VCF-style: chr15-72638608-A-T.
Other names: c.1422T>A, p.Tyr474Ter (NM_001318825.2); c.1389T>A (NM_000520.5); short protein forms Y474*, Y463*.
Identifiers: ClinVar variation 2168857 (VCV002168857.6), dbSNP rs1239101618, ClinGen allele CA393059155.
Genomic context (GRCh38, chr15:72,346,267, plus strand): 5'-CCTCCACCTCCCCCCCGAAAACCCTTACCAGAGCCTGGGGACCAGGTTTGTGTTGTCCAC[A>T]TATTCTCCCCACATACAAGCCTCTCCACCAATCACCAGAGCCTTCTGCTCAGGGGTACCT-3'

ClinVar aggregate classification (germline): Pathogenic/Likely pathogenic. Review status: criteria provided, multiple submitters, no conflicts (2 of 4 stars). 3 submissions from 3 submitters: Pathogenic (1); Likely pathogenic (2). Last evaluated 2024-06-11.

Conditions:
Tay-Sachs disease (TSD). Also called: GM2 gangliosidosis, type 1; Hexosaminidase alpha-subunit deficiency (variant B); Sphingolipidosis, Tay-Sachs; Hexosaminidase A Deficiency; HEXA DEFICIENCY; HEXA Disorders. Identifiers: Orphanet 845, MedGen C0039373, MONDO:0010100, OMIM 272800.

gnomAD v4.1: 2 of 1,613,938 alleles (0.00012%); highest among the groups gnomAD compares: Non-Finnish European, 0.00017%; no homozygotes.

Submissions (3):

Natera, Inc.
Classification: Likely pathogenic for Tay-Sachs disease. Last evaluated: 2024-06-11. Review status: criteria provided, single submitter. Criteria: Natera Variant Classification Schema (03/2026). Collection method: clinical testing. Allele origin: germline.
Comment: The c.1389T>A variant in HEXA is a nonsense variant predicted to introduce a stop codon at amino acid 463. This variant is expected to result in nonsense mediated decay, truncation, or a dysfunctional protein product. This variant is rare in the general population with a frequency below the threshold expected for the associated phenotype(s). Given the available evidence, this variant is classified as Likely Pathogenic.

Labcorp Genetics (formerly Invitae), Labcorp
Classification: Pathogenic for Tay-Sachs disease. Last evaluated: 2024-02-12. Review status: criteria provided, single submitter. Criteria: Invitae Variant Classification Sherloc (09022015). Collection method: clinical testing. Allele origin: germline.
Comment: This sequence change creates a premature translational stop signal (p.Tyr463*) in the HEXA gene. It is expected to result in an absent or disrupted protein product. Loss-of-function variants in HEXA are known to be pathogenic (PMID: 1833974, 8490625). This variant is not present in population databases (gnomAD no frequency). This variant has not been reported in the literature in individuals affected with HEXA-related conditions. ClinVar contains an entry for this variant (Variation ID: 2168857). For these reasons, this variant has been classified as Pathogenic.

Department of Pathology and Laboratory Medicine, Sinai Health System
Classification: Likely pathogenic for Tay-Sachs disease. Last evaluated: 2022-11-09. Review status: criteria provided, single submitter. Criteria: ACMG Guidelines, 2015. Collection method: research. Allele origin: germline.

Literature cited by the submitters: PubMed 1833974 (cited by Labcorp Genetics (formerly Invitae), Labcorp); PubMed 8490625 (cited by Labcorp Genetics (formerly Invitae), Labcorp).